The following is an entry in ClinVar:

ClinVar aggregate classification (germline): Uncertain significance (1 of 4 stars; one submission).

Conditions:
Congenital myotonia, autosomal dominant form (THD). Also called: THOMSEN DISEASE; Myotonia congenita autosomal dominant. Identifiers: Orphanet 614, MedGen C2936781, MONDO:0008055, OMIM 160800.
Congenital myotonia, autosomal recessive form. Also called: BECKER DISEASE; Becker Generalized Myotonia; myotonia congenita, autosomal recessive. Identifiers: Orphanet 614, MedGen C0751360, MONDO:0009715, OMIM 255700.

Allele frequency attached by ClinVar (database versions not stated): TOPMed 0.00001.
gnomAD v4.1: 8 of 1,613,524 alleles (0.0005%); highest among the groups gnomAD compares: Non-Finnish European, 0.00068%; no homozygotes.

Submission:

Labcorp Genetics (formerly Invitae), Labcorp
Classification: Uncertain significance for Congenital myotonia, autosomal recessive form; Congenital myotonia, autosomal dominant form. Last evaluated: 2018-08-29. Review status: criteria provided, single submitter. Criteria: Invitae Variant Classification Sherloc (09022015). Collection method: clinical testing. Allele origin: germline.
Comment: This sequence change replaces arginine with serine at codon 9 of the CLCN1 protein (p.Arg9Ser). The arginine residue is weakly conserved and there is a moderate physicochemical difference between arginine and serine. This variant is not present in population databases (ExAC no frequency). This variant has not been reported in the literature in individuals with CLCN1-related disease. In summary, the available evidence is currently insufficient to determine the role of this variant in disease. Therefore, it has been classified as a Variant of Uncertain Significance.

NM_000083.3(CLCN1):c.25C>A (p.Arg9Ser)

Gene: CLCN1 (chloride voltage-gated channel 1; plus strand). Cytogenetic location: 7q34.
Variant type: single nucleotide variant.
Coding change: c.25C>A on transcript NM_000083.3 (MANE Select); coding-DNA position 25, C replaced by A.
Protein change: p.Arg9Ser; replaces arginine 9 with serine.
Molecular consequence: missense variant. On other transcripts: non-coding transcript variant (1).
Genome position (GRCh38, 1-based): chr7:143,316,237, C>A. VCF-style: chr7-143316237-C-A. GRCh37 (hg19) VCF-style: chr7-143013330-C-A.
Other names: short protein forms R9S.
Identifiers: ClinVar variation 660302 (VCV000660302.8), dbSNP rs745344072, ClinGen allele CA369676448.